The following is an entry in ClinVar:

NM_000021.4(PSEN1):c.125G>A (p.Arg42Gln)

Gene: PSEN1 (presenilin 1; plus strand). Cytogenetic location: 14q24.2.
Variant type: single nucleotide variant.
Coding change: c.125G>A on transcript NM_000021.4 (MANE Select); coding-DNA position 125, G replaced by A.
Protein change: p.Arg42Gln; replaces arginine 42 with glutamine.
Molecular consequence: missense variant.
Genome position (GRCh38, 1-based): chr14:73,170,834, G>A. VCF-style: chr14-73170834-G-A. GRCh37 (hg19) VCF-style: chr14-73637542-G-A.
Other names: c.113G>A, p.Arg38Gln (NM_007318.3); short protein forms R38Q, R42Q.
Identifiers: ClinVar variation 887369 (VCV000887369.12), dbSNP rs367775281, ClinGen allele CA7256686.

ClinVar aggregate classification (germline): Uncertain significance. Review status: criteria provided, multiple submitters, no conflicts (2 of 4 stars). 4 submissions from 3 submitters: Uncertain significance (4). Last evaluated 2025-11-19.

Conditions:
Pick disease. Also called: PICK DISEASE OF BRAIN; DEMENTIA WITH LOBAR ATROPHY AND NEURONAL CYTOPLASMIC INCLUSIONS; LOBAR ATROPHY OF BRAIN; Pick's disease; Pick Disease of the Brain. Identifiers: Orphanet 282, MedGen C0236642, MONDO:0008243, OMIM 172700.
Acne inversa, familial, 3 (ACNINV3). Identifiers: MedGen C3151038, MONDO:0013398, OMIM 613737.
Alzheimer disease 3 (AD3). Also called: ALZHEIMER DISEASE, FAMILIAL, 3. Identifiers: Orphanet 1020, MedGen C1843013, MONDO:0011913, OMIM 607822.
Frontotemporal dementia (FTD1). Also called: FRONTOTEMPORAL DEMENTIA WITH PARKINSONISM; FRONTOTEMPORAL LOBE DEMENTIA; MULTIPLE SYSTEM TAUOPATHY WITH PRESENILE DEMENTIA; WILHELMSEN-LYNCH DISEASE; Frontotemporal Dementia with Parkinsonism-17 (FTDP-17); Frontotemporal lobe dementia (FLDEM). Identifiers: Orphanet 282, MedGen C0338451, MONDO:0017276, OMIM 600274, HP:0002145.
Dilated cardiomyopathy 1U. Identifiers: Orphanet 154, MedGen C3160720, MONDO:0013371, OMIM 613694.

Allele frequency attached by ClinVar (database versions not stated): TOPMed 0.00001; ESP Exome Variant Server 0.00008; 1000 Genomes Project 30x 0.00016; 1000 Genomes Project 0.00020.
gnomAD v4.1: 39 of 1,614,136 alleles (0.0024%); highest among the groups gnomAD compares: African/African-American, 0.0053%; no homozygotes.

Submissions (4):

Women's Health and Genetics/Laboratory Corporation of America, LabCorp
Classification: Uncertain significance. Last evaluated: 2025-11-19. Review status: criteria provided, single submitter. Criteria: LabCorp Variant Classification Summary - May 2015. Collection method: clinical testing. Allele origin: germline.
Comment: Variant summary: PSEN1 c.125G>A (p.Arg42Gln) results in a conservative amino acid change in the encoded protein sequence. Algorithms developed to predict the effect of missense changes on protein structure and function are either unavailable or do not agree on the potential impact of this missense change. The variant allele was found at a frequency of 1.2e-05 in 251376 control chromosomes. The available data on variant occurrences in the general population are insufficient to allow any conclusion about variant significance. To our knowledge, no occurrence of c.125G>A in individuals affected with PSEN1-related conditions and no experimental evidence demonstrating its impact on protein function have been reported. ClinVar contains an entry for this variant (Variation ID: 887369). Based on the evidence outlined above, the variant was classified as uncertain significance.

Labcorp Genetics (formerly Invitae), Labcorp
Classification: Uncertain significance for Alzheimer disease 3; Pick disease; Acne inversa, familial, 3; Frontotemporal dementia. Last evaluated: 2020-12-03. Review status: criteria provided, single submitter. Criteria: Invitae Variant Classification Sherloc (09022015). Collection method: clinical testing. Allele origin: germline.
Comment: This variant has been observed in individual(s) with clinical features of PSEN1-related conditions (Invitae). ClinVar contains an entry for this variant (Variation ID: 887369). This variant is present in population databases (rs367775281, ExAC 0.02%). This sequence change replaces arginine with glutamine at codon 42 of the PSEN1 protein (p.Arg42Gln). The arginine residue is moderately conserved and there is a small physicochemical difference between arginine and glutamine. Advanced modeling of protein sequence and biophysical properties (such as structural, functional, and spatial information, amino acid conservation, physicochemical variation, residue mobility, and thermodynamic stability) performed at Invitae indicates that this missense variant is not expected to disrupt PSEN1 protein function. In summary, the available evidence is currently insufficient to determine the role of this variant in disease. Therefore, it has been classified as a Variant of Uncertain Significance.

Illumina Laboratory Services, Illumina
Classification: Uncertain significance for Alzheimer disease 3. Last evaluated: 2017-04-27. Review status: criteria provided, single submitter. Criteria: ICSL Variant Classification Criteria 13 December 2019. Collection method: clinical testing. Allele origin: germline.

Illumina Laboratory Services, Illumina
Classification: Uncertain significance for Dilated cardiomyopathy 1U. Last evaluated: 2017-04-27. Review status: criteria provided, single submitter. Criteria: ICSL Variant Classification Criteria 13 December 2019. Collection method: clinical testing. Allele origin: germline.